The following is an entry in ClinVar:

NM_033380.3(COL4A5):c.880C>T (p.Pro294Ser)

Gene: COL4A5 (collagen type IV alpha 5 chain; plus strand). Cytogenetic location: Xq22.3.
Variant type: single nucleotide variant.
Coding change: c.880C>T on transcript NM_033380.3 (MANE Select); coding-DNA position 880, C replaced by T.
Protein change: p.Pro294Ser; replaces proline 294 with serine.
Molecular consequence: missense variant.
Genome position (GRCh38, 1-based): chrX:108,580,727, C>T. VCF-style: chrX-108580727-C-T. GRCh37 (hg19) VCF-style: chrX-107823957-C-T.
Other names: c.880C>T (NM_000495.3); c.880C>T, p.Pro294Ser (NM_000495.5); short protein forms P294S.
Identifiers: ClinVar variation 1169423 (VCV001169423.13), dbSNP rs374201703, ClinGen allele CA10488597.

ClinVar aggregate classification (germline): Conflicting classifications of pathogenicity. Review status: criteria provided, conflicting classifications (1 of 4 stars). 3 submissions from 3 submitters: Uncertain significance (1); Benign (1); Likely benign (1). Last evaluated 2024-12-19.

Conditions:
Inborn genetic diseases. Identifiers: MedGen C0950123, MeSH D030342.

Allele frequency attached by ClinVar (database versions not stated): gnomAD exomes 0.00002 and 0.00004; ExAC 0.00007; ESP Exome Variant Server 0.00009; TOPMed 0.00011; gnomAD 0.00013 and 0.00015.
gnomAD v4.1: 37 of 1,207,178 alleles (0.0031%); highest among the groups gnomAD compares: African/African-American, 0.063%; no homozygotes.

Submissions (3):

Labcorp Genetics (formerly Invitae), Labcorp
Classification: Benign. Last evaluated: 2024-12-19. Review status: criteria provided, single submitter. Criteria: Invitae Variant Classification Sherloc (09022015). Collection method: clinical testing. Allele origin: germline.

Ambry Genetics
Classification: Likely benign for Inborn genetic diseases. Last evaluated: 2024-07-09. Review status: criteria provided, single submitter. Criteria: Ambry Variant Classification Scheme 2023. Collection method: clinical testing. Allele origin: germline.

GeneDx
Classification: Uncertain significance. Last evaluated: 2021-06-04. Review status: criteria provided, single submitter. Criteria: GeneDx Variant Classification Process June 2021. Collection method: clinical testing. Allele origin: germline. Affected: yes.
Comment: In silico analysis supports that this missense variant has a deleterious effect on protein structure/function; Occurs in the triple helical domain at the Y position in the canonical Gly-X-Y repeat; although this variant may have an effect on normal protein folding and function, missense substitution at the Y position is not a common mechanism of disease; Has not been previously published as pathogenic or benign to our knowledge; This variant is associated with the following publications: (PMID: 27535533)